The following is an entry in ClinVar:

NM_002471.4(MYH6):c.373G>C (p.Val125Leu)

Genes: MYH6 (myosin heavy chain 6; minus strand), LOC114827851 (VISTA enhancer hs2155; plus strand). Cytogenetic location: 14q11.2.
Variant type: single nucleotide variant.
Coding change: c.373G>C on transcript NM_002471.4 (MANE Select); coding-DNA position 373, G replaced by C.
Protein change: p.Val125Leu; replaces valine 125 with leucine.
Molecular consequence: missense variant.
Genome position (GRCh38, 1-based): chr14:23,405,352, C>G on the plus strand (G>C on the coding strand, the complement: MYH6 is on the minus strand). VCF-style: chr14-23405352-C-G. GRCh37 (hg19) VCF-style: chr14-23874561-C-G.
Other names: short protein forms V125L.
Identifiers: ClinVar variation 2963483 (VCV002963483.3), dbSNP rs1891751838, ClinGen allele CA389031169.
Genomic context (GRCh38, chr14:23,405,352, plus strand): 5'-TGCCCCGGTAGGCGGCCACCACCTCGGCATTGTACACCGGCAGCCACTTGTAGGGGTTGA[C>G]AGTGACACAGAAGAGGCCCGAGTAGGTCTGGAGCAGGAGACAAGGCTGGGCATGAGGTTG-3'
Protein context (NP_002462.2, residues 115-135): YTYSGLFCVT[Val125Leu]NPYKWLPVYN

ClinVar aggregate classification (germline): Uncertain significance (1 of 4 stars; one submission).

Conditions:
Hypertrophic cardiomyopathy 14. Identifiers: MedGen C2750467, MONDO:0013197, OMIM 613251.

Allele frequency attached by ClinVar (database versions not stated): gnomAD exomes below 0.00001; TOPMed 0.00001.
gnomAD v4.1: 4 of 1,614,146 alleles (0.00025%); highest among the groups gnomAD compares: Non-Finnish European, 0.00034%; no homozygotes.

Submission:

Labcorp Genetics (formerly Invitae), Labcorp
Classification: Uncertain significance for Hypertrophic cardiomyopathy 14. Last evaluated: 2023-12-30. Review status: criteria provided, single submitter. Criteria: Invitae Variant Classification Sherloc (09022015). Collection method: clinical testing. Allele origin: germline.
Comment: This sequence change replaces valine, which is neutral and non-polar, with leucine, which is neutral and non-polar, at codon 125 of the MYH6 protein (p.Val125Leu). This variant is not present in population databases (gnomAD no frequency). This variant has not been reported in the literature in individuals affected with MYH6-related conditions. Advanced modeling of protein sequence and biophysical properties (such as structural, functional, and spatial information, amino acid conservation, physicochemical variation, residue mobility, and thermodynamic stability) performed at Invitae indicates that this missense variant is expected to disrupt MYH6 protein function with a positive predictive value of 80%. In summary, the available evidence is currently insufficient to determine the role of this variant in disease. Therefore, it has been classified as a Variant of Uncertain Significance.